The following is an entry in ClinVar:

NM_000157.4(GBA1):c.1155del (p.Lys385fs)

Genes: GBA1 (glucosylceramidase beta 1; minus strand), LOC106627981 (GBA recombination region; plus strand). Cytogenetic location: 1q22.
Variant type: Deletion.
Coding change: c.1155del on transcript NM_000157.4 (MANE Select); coding-DNA position 1155, one base deleted (G; older notation c.1155delG).
Protein change: p.Lys385fs; shifts the reading frame from lysine 385.
Molecular consequence: frameshift variant.
Genome position (GRCh38, 1-based): chr1:155,236,314, C deleted on the plus strand (G on the coding strand, the reverse complement: GBA1 is on the minus strand). VCF-style (leftmost placement, unchanged base first): chr1-155236313-AC-A. GRCh37 (hg19) VCF-style: chr1-155206104-AC-A.
Other names: c.1155del, p.Lys385fs (NM_001005741.3, NM_001005742.3); c.894del, p.Lys298fs (NM_001171811.2); c.1008del, p.Lys336fs (NM_001171812.2); short protein forms K298fs, K336fs, K385fs.
Identifiers: ClinVar variation 4817681 (VCV004817681.1).

ClinVar aggregate classification (germline): Likely pathogenic (1 of 4 stars; one submission).

Conditions:
Gaucher disease. Also called: Acute cerebral Gaucher disease; Cerebroside lipidosis syndrome; Gaucher splenomegaly; Sphingolipidosis 1; Glucocerebrosidosis; Glucosylceramidase deficiency. Identifiers: Orphanet 355, MedGen C0017205, MONDO:0018150.

Submission:

Natera, Inc.
Classification: Likely pathogenic for Gaucher disease. Last evaluated: 2024-04-23. Review status: criteria provided, single submitter. Criteria: Natera Variant Classification Schema (03/2026). Collection method: clinical testing. Allele origin: germline.
Comment: The c.1155delG variant in GBA1 is a frameshift variant predicted to shift the reading frame beginning at codon 385 and leads to a stop codon 9 codons downstream. This variant is expected to result in nonsense mediated decay, truncation, or a dysfunctional protein product. This variant is rare in the general population with a frequency below the threshold expected for the associated phenotype(s). Given the available evidence, this variant is classified as Likely Pathogenic.